The following is an entry in ClinVar:

NM_004991.4(MECOM):c.1380T>G (p.Ser460Arg)

Gene: MECOM (MDS1 and EVI1 complex locus; minus strand). Cytogenetic location: 3q26.2.
Variant type: single nucleotide variant.
Coding change: c.1380T>G on transcript NM_004991.4 (MANE Select); coding-DNA position 1380, T replaced by G.
Protein change: p.Ser460Arg; replaces serine 460 with arginine.
Molecular consequence: missense variant. On other transcripts: intron variant (2).
Genome position (GRCh38, 1-based): chr3:169,116,492, A>C on the plus strand (T>G on the coding strand, the complement: MECOM is on the minus strand). VCF-style: chr3-169116492-A-C. GRCh37 (hg19) VCF-style: chr3-168834280-A-C.
Other names: c.1011T>G, p.Ser337Arg (NM_001105077.4); c.816T>G, p.Ser272Arg (NM_001105078.4, NM_001164000.2, NM_001205194.2 and 4 more transcripts); c.819T>G, p.Ser273Arg (NM_001163999.2, NM_001366467.2, NM_001366468.2 and 1 more transcripts); c.1380T>G, p.Ser460Arg (NM_001366466.2); c.1133-725T>G (NM_001366473.2); c.569-725T>G (NM_001366474.2); short protein forms S273R, S337R, S460R, S272R.
Identifiers: ClinVar variation 3394373 (VCV003394373.1).
Genomic context (GRCh38, chr3:169,116,492, plus strand): 5'-GGTAAGACCAGCAGGATGCCTATTGGCGCCAAAATAGTCAGCAAGGCCCGGGTTGGCATG[A>C]CTCATATTAACCATGGACGTTTTATCCATAGCTGGGGTTCCAGGAAGTGAAATGCCTTGG-3'
Protein context (NP_004982.2, residues 450-470): AMDKTSMVNM[Ser460Arg]HANPGLADYF

ClinVar aggregate classification (germline): Uncertain significance (1 of 4 stars; one submission).

Conditions:
Inborn genetic diseases. Identifiers: MedGen C0950123, MeSH D030342.

Submission:

Ambry Genetics
Classification: Uncertain significance for Inborn genetic diseases. Last evaluated: 2024-12-06. Review status: criteria provided, single submitter. Criteria: Ambry Variant Classification Scheme 2023. Collection method: clinical testing. Allele origin: germline.
Comment: The p.S460R variant (also known as c.1380T>G), located in coding exon 8 of the MECOM gene, results from a T to G substitution at nucleotide position 1380. The serine at codon 460 is replaced by arginine, an amino acid with dissimilar properties. This amino acid position is conserved. In addition, this alteration is predicted to be tolerated by in silico analysis. Based on the available evidence, the clinical significance of this variant remains unclear.